The following is an entry in ClinVar:

NM_025132.4(WDR19):c.3784G>A (p.Glu1262Lys)

Gene: WDR19 (WD repeat domain 19; plus strand). Cytogenetic location: 4p14.
Variant type: single nucleotide variant.
Coding change: c.3784G>A on transcript NM_025132.4 (MANE Select); coding-DNA position 3784, G replaced by A.
Protein change: p.Glu1262Lys; replaces glutamic acid 1262 with lysine.
Molecular consequence: missense variant.
Genome position (GRCh38, 1-based): chr4:39,277,087, G>A. VCF-style: chr4-39277087-G-A. GRCh37 (hg19) VCF-style: chr4-39278707-G-A.
Other names: c.3304G>A, p.Glu1102Lys (NM_001317924.2); short protein forms E1262K, E1102K.
Identifiers: ClinVar variation 476158 (VCV000476158.9), dbSNP rs1553919125, ClinGen allele CA356652163.

ClinVar aggregate classification (germline): Uncertain significance. Review status: criteria provided, multiple submitters, no conflicts (2 of 4 stars). 2 submissions from 2 submitters: Uncertain significance (2). Last evaluated 2024-04-23.

Conditions:
Cranioectodermal dysplasia 4 (CED4). Identifiers: Orphanet 1515, MedGen C3280616, MONDO:0013719, OMIM 614378.
Senior-Loken syndrome 8 (SLSN8). Identifiers: Orphanet 3156, MedGen C4225376, MONDO:0014579, OMIM 616307.
Asphyxiating thoracic dystrophy 5 (SRTD5). Also called: SHORT-RIB THORACIC DYSPLASIA 5 WITHOUT POLYDACTYLY; SHORT-RIB THORACIC DYSPLASIA 5 WITH OR WITHOUT POLYDACTYLY. Identifiers: Orphanet 474, MedGen C3280598, MONDO:0013717, OMIM 614376.
Spermatogenic failure 72 (SPGF72). Identifiers: MedGen C5676980, MONDO:0030809, OMIM 619867.
Nephronophthisis 13 (NPHP13). Identifiers: Orphanet 655, MedGen C3280612, MONDO:0013718, OMIM 614377.

Allele frequency attached by ClinVar (database versions not stated): gnomAD exomes below 0.00001.
gnomAD v4.1: 1 of 1,613,900 alleles (0.000062%); highest among the groups gnomAD compares: Non-Finnish European, 0.000085%; no homozygotes.

Submissions (2):

Fulgent Genetics
Classification: Uncertain significance for Asphyxiating thoracic dystrophy 5; Nephronophthisis 13; Cranioectodermal dysplasia 4; Senior-Loken syndrome 8; Spermatogenic failure 72. Last evaluated: 2024-04-23. Review status: criteria provided, single submitter. Criteria: ACMG Guidelines, 2015. Collection method: clinical testing. Allele origin: germline.

Labcorp Genetics (formerly Invitae), Labcorp
Classification: Uncertain significance for Senior-Loken syndrome 8; Asphyxiating thoracic dystrophy 5. Last evaluated: 2024-01-08. Review status: criteria provided, single submitter. Criteria: Invitae Variant Classification Sherloc (09022015). Collection method: clinical testing. Allele origin: germline.
Comment: This sequence change replaces glutamic acid, which is acidic and polar, with lysine, which is basic and polar, at codon 1262 of the WDR19 protein (p.Glu1262Lys). This variant is not present in population databases (gnomAD no frequency). This variant has not been reported in the literature in individuals affected with WDR19-related conditions. ClinVar contains an entry for this variant (Variation ID: 476158). Advanced modeling of protein sequence and biophysical properties (such as structural, functional, and spatial information, amino acid conservation, physicochemical variation, residue mobility, and thermodynamic stability) performed at Invitae indicates that this missense variant is not expected to disrupt WDR19 protein function with a negative predictive value of 80%. In summary, the available evidence is currently insufficient to determine the role of this variant in disease. Therefore, it has been classified as a Variant of Uncertain Significance.